The following is an entry in ClinVar:

NM_014714.4(IFT140):c.3526G>T (p.Val1176Leu)

Gene: IFT140 (intraflagellar transport 140; minus strand). Cytogenetic location: 16p13.3.
Variant type: single nucleotide variant.
Coding change: c.3526G>T on transcript NM_014714.4 (MANE Select); coding-DNA position 3526, G replaced by T.
Protein change: p.Val1176Leu; replaces valine 1176 with leucine.
Molecular consequence: missense variant.
Genome position (GRCh38, 1-based): chr16:1,520,736, C>A on the plus strand (G>T on the coding strand, the complement: IFT140 is on the minus strand). VCF-style: chr16-1520736-C-A. GRCh37 (hg19) VCF-style: chr16-1570737-C-A.
Other names: short protein forms V1176L.
Identifiers: ClinVar variation 2417012 (VCV002417012.5), dbSNP rs764946729, ClinGen allele CA394224961.

ClinVar aggregate classification (germline): Uncertain significance (1 of 4 stars; one submission).

Conditions:
Saldino-Mainzer syndrome (SRTD9). Also called: CONORENAL SYNDROME; Renal dysplasia, retinal pigmentary dystrophy, cerebellar ataxia and skeletal dysplasia; SHORT-RIB THORACIC DYSPLASIA 9 WITHOUT POLYDACTYLY; short-rib thoracic dysplasia 9 with or without polydactyly. Identifiers: Orphanet 140969, MedGen C1849437, MONDO:0009964, OMIM 266920.

Submission:

Labcorp Genetics (formerly Invitae), Labcorp
Classification: Uncertain significance for Saldino-Mainzer syndrome. Last evaluated: 2024-11-11. Review status: criteria provided, single submitter. Criteria: Invitae Variant Classification Sherloc (09022015). Collection method: clinical testing. Allele origin: germline.
Comment: This sequence change replaces valine, which is neutral and non-polar, with leucine, which is neutral and non-polar, at codon 1176 of the IFT140 protein (p.Val1176Leu). This variant is not present in population databases (gnomAD no frequency). This variant has not been reported in the literature in individuals affected with IFT140-related conditions. ClinVar contains an entry for this variant (Variation ID: 2417012). Invitae Evidence Modeling of protein sequence and biophysical properties (such as structural, functional, and spatial information, amino acid conservation, physicochemical variation, residue mobility, and thermodynamic stability) indicates that this missense variant is not expected to disrupt IFT140 protein function with a negative predictive value of 95%. In summary, the available evidence is currently insufficient to determine the role of this variant in disease. Therefore, it has been classified as a Variant of Uncertain Significance.